The following is an entry in ClinVar:

NM_182914.3(SYNE2):c.13188A>T (p.Lys4396Asn)

Gene: SYNE2 (spectrin repeat containing nuclear envelope protein 2; plus strand). Cytogenetic location: 14q23.2.
Variant type: single nucleotide variant.
Coding change: c.13188A>T on transcript NM_182914.3 (MANE Select); coding-DNA position 13188, A replaced by T.
Protein change: p.Lys4396Asn; replaces lysine 4396 with asparagine.
Molecular consequence: missense variant.
Genome position (GRCh38, 1-based): chr14:64,122,041, A>T. VCF-style: chr14-64122041-A-T. GRCh37 (hg19) VCF-style: chr14-64588759-A-T.
Other names: c.13188A>T, p.Lys4396Asn (NM_015180.6); c.13188A>T (NM_182914.2); short protein forms K4396N.
Identifiers: ClinVar variation 2038362 (VCV002038362.5), dbSNP rs555013516, ClinGen allele CA7222369.

ClinVar aggregate classification (germline): Uncertain significance. Review status: criteria provided, multiple submitters, no conflicts (2 of 4 stars). 2 submissions from 2 submitters: Uncertain significance (2). Last evaluated 2025-04-01.

Conditions:
Emery-Dreifuss muscular dystrophy 5, autosomal dominant (EDMD5). Also called: EMERY-DREIFUSS MUSCULAR DYSTROPHY 5. Identifiers: Orphanet 261, MedGen C2751805, MONDO:0013072, OMIM 612999.

Allele frequency attached by ClinVar (database versions not stated): ExAC 0.00002; gnomAD 0.00013; TOPMed 0.00013; 1000 Genomes Project 0.00020; 1000 Genomes Project 30x 0.00031.
gnomAD v4.1: 40 of 1,613,900 alleles (0.0025%); highest among the groups gnomAD compares: African/African-American, 0.036%; no homozygotes.

Submissions (2):

Ambry Genetics
Classification: Uncertain significance. Last evaluated: 2025-04-01. Review status: criteria provided, single submitter. Criteria: Ambry Variant Classification Scheme 2023. Collection method: clinical testing. Allele origin: germline.

Labcorp Genetics (formerly Invitae), Labcorp
Classification: Uncertain significance for Emery-Dreifuss muscular dystrophy 5, autosomal dominant. Last evaluated: 2025-02-08. Review status: criteria provided, single submitter. Criteria: Invitae Variant Classification Sherloc (09022015). Collection method: clinical testing. Allele origin: germline.
Comment: This sequence change replaces lysine, which is basic and polar, with asparagine, which is neutral and polar, at codon 4396 of the SYNE2 protein (p.Lys4396Asn). This variant is present in population databases (rs555013516, gnomAD 0.05%), and has an allele count higher than expected for a pathogenic variant. This variant has not been reported in the literature in individuals affected with SYNE2-related conditions. ClinVar contains an entry for this variant (Variation ID: 2038362). An algorithm developed to predict the effect of missense changes on protein structure and function (PolyPhen-2) suggests that this variant is likely to be tolerated. In summary, the available evidence is currently insufficient to determine the role of this variant in disease. Therefore, it has been classified as a Variant of Uncertain Significance.